The following is an entry in ClinVar:

NM_003183.6(ADAM17):c.2082+4A>G

Genes: IAH1 (isoamyl acetate hydrolyzing esterase 1 (putative); plus strand), ADAM17 (ADAM metallopeptidase domain 17; minus strand). Cytogenetic location: 2p25.1.
Variant type: single nucleotide variant.
Coding change: c.2082+4A>G on transcript NM_003183.6 (MANE Select); 4 bases into the intron after coding-DNA position 2082, A replaced by G.
Molecular consequence: intron variant.
Genome position (GRCh38, 1-based): chr2:9,492,894, T>C on the plus strand (A>G on the coding strand, the complement: ADAM17 is on the minus strand). VCF-style: chr2-9492894-T-C. GRCh37 (hg19) VCF-style: chr2-9633023-T-C.
Other names: c.1422+4A>G (NM_001382777.1); c.1185+4A>G (NM_001382778.1).
Identifiers: ClinVar variation 2082444 (VCV002082444.4), dbSNP rs546255864, ClinGen allele CA1523334.

ClinVar aggregate classification (germline): Uncertain significance (1 of 4 stars; one submission).

Conditions:
Inflammatory skin and bowel disease, neonatal, 1. Identifiers: Orphanet 294023, MedGen C3280501, MONDO:0013693, OMIM 614328.

Allele frequency attached by ClinVar (database versions not stated): gnomAD exomes below 0.00001; ExAC 0.00001; gnomAD 0.00001; 1000 Genomes Project 30x 0.00016; 1000 Genomes Project 0.00020.
gnomAD v4.1: 3 of 1,607,528 alleles (0.00019%); highest among the groups gnomAD compares: South Asian, 0.0022%; no homozygotes.

Submission:

Labcorp Genetics (formerly Invitae), Labcorp
Classification: Uncertain significance for Inflammatory skin and bowel disease, neonatal, 1. Last evaluated: 2022-01-14. Review status: criteria provided, single submitter. Criteria: Invitae Variant Classification Sherloc (09022015). Collection method: clinical testing. Allele origin: germline.
Comment: This variant has not been reported in the literature in individuals affected with ADAM17-related conditions. This variant is present in population databases (rs546255864, gnomAD 0.003%). This sequence change falls in intron 17 of the ADAM17 gene. It does not directly change the encoded amino acid sequence of the ADAM17 protein. It affects a nucleotide within the consensus splice site. In summary, the available evidence is currently insufficient to determine the role of this variant in disease. Therefore, it has been classified as a Variant of Uncertain Significance. Variants that disrupt the consensus splice site are a relatively common cause of aberrant splicing (PMID: 17576681, 9536098). Algorithms developed to predict the effect of sequence changes on RNA splicing suggest that this variant may disrupt the consensus splice site.

Literature cited by the submitters: PubMed 17576681; PubMed 9536098.